The following is an entry in ClinVar:

ClinVar aggregate classification (germline): Pathogenic. Review status: criteria provided, multiple submitters, no conflicts (2 of 4 stars). 4 submissions from 4 submitters: Pathogenic (4). Last evaluated 2025-08-01.

Conditions:
PAX6-related disorder. Also called: PAX6-related disorders; PAX6-related condition.
Aniridia 1 (AN1). Identifiers: Orphanet 250923, MedGen C0344542, MONDO:0024507, OMIM 106210.

Submissions (4):

Dasa
Classification: Pathogenic. Last evaluated: 2025-08-01. Review status: criteria provided, single submitter. Criteria: DASA Assertion Criteria. Collection method: clinical testing. Allele origin: germline.
Comment: NM_001368894.2(PAX6):c.341G>A (p.Trp114*) introduces a premature termination codon predicted to result in loss of normal protein function. Loss-of-function is an established mechanism of disease for this gene. Segregation evidence has been reported in affected families. This variant has been recurrently observed in individuals with related phenotype (PMID: 36582291; PMID: 22621390; PMID: 7909985; PMID: 18483559). The variant is present at low frequency in population datasets. Based on the available data, this variant is classified as pathogenic.

GeneDx
Classification: Pathogenic. Last evaluated: 2024-07-17. Review status: criteria provided, single submitter. Criteria: GeneDx Variant Classification Process June 2021. Collection method: clinical testing. Allele origin: germline. Affected: yes.
Comment: Not observed at significant frequency in large population cohorts (gnomAD); Nonsense variant predicted to result in protein truncation or nonsense mediated decay in a gene for which loss of function is a known mechanism of disease; This variant is associated with the following publications: (PMID: 25525159, 7909985, 36582291)

Blueprint Genetics
Classification: Pathogenic for PAX6-related disorders. Last evaluated: 2019-12-27. Review status: criteria provided, single submitter. Criteria: ACMG Guidelines, 2015. Collection method: clinical testing. Allele origin: germline. Affected: yes. Observed: 1 variant allele.

HudsonAlpha Institute for Biotechnology
Classification: Pathogenic for Aniridia 1. Last evaluated: 2018-07-03. Review status: criteria provided, single submitter. Criteria: ACMG Guidelines, 2015. Collection method: research. Allele origin: de novo. Affected: yes. Observed: 1 variant allele. Study: PGEN-HudsonAlpha.

Literature cited by the submitters: PubMed 36582291 (cited by Dasa); PubMed 22621390 (cited by Dasa); PubMed 7909985 (cited by Dasa); PubMed 18483559 (cited by Dasa).

NM_001368894.2(PAX6):c.341G>A (p.Trp114Ter)

Gene: PAX6 (paired box 6; minus strand). Cytogenetic location: 11p13.
Variant type: single nucleotide variant.
Coding change: c.341G>A on transcript NM_001368894.2 (MANE Select); coding-DNA position 341, G replaced by A.
Protein change: p.Trp114Ter; replaces tryptophan 114 with a stop codon.
Molecular consequence: nonsense. On other transcripts: 5 prime UTR variant (14), non-coding transcript variant (2), intron variant (8).
Genome position (GRCh38, 1-based): chr11:31,801,619, C>T on the plus strand (G>A on the coding strand, the complement: PAX6 is on the minus strand). VCF-style: chr11-31801619-C-T. GRCh37 (hg19) VCF-style: chr11-31823167-C-T.
Other names: c.299G>A (NM_000280.3); c.299G>A, p.Trp100Ter (NM_000280.6, NM_001127612.3, NM_001258464.2 and 10 more transcripts); c.341G>A, p.Trp114Ter (NM_001258462.3, NM_001258463.2, NM_001310158.2 and 6 more transcripts); c.-441G>A (NM_001310160.2, NM_001368902.2, NM_001368905.2); c.-110G>A (NM_001310161.3, NM_001368899.2, NM_001368900.2 and 8 more transcripts); c.542G>A, p.Trp181Ter (NM_001368910.2); c.344G>A, p.Trp115Ter (NM_001368911.2); c.416G>A, p.Trp139Ter (NM_001368918.2, NM_001368919.2); and 3 more; short protein forms W100*, W139*, W114*, W125*, W181*, W115*.
Identifiers: ClinVar variation 559407 (VCV000559407.5), dbSNP rs1554985320, ClinGen allele CA379958562.
Genomic context (GRCh38, chr11:31,801,619, plus strand): 5'-ACGCTTGGTATGTTATCGTTGGTACAGACCCCCTCGGACAGTAATCTGTCTCGGATTTCC[C>T]AAGCAAAGATGGACGGGCACTCCCGCTTATACTGGGCTATTTTGCTTACAACTTCTGGAG-3'